The following is an entry in ClinVar:

ClinVar aggregate classification (germline): Uncertain significance. Review status: criteria provided, multiple submitters, no conflicts (2 of 4 stars). 4 submissions from 4 submitters: Uncertain significance (4). Last evaluated 2025-04-14.

Conditions:
Cardiovascular phenotype. Identifiers: MedGen CN230736.
Hereditary cancer-predisposing syndrome. Also called: Tumor predisposition; Hereditary neoplastic syndrome; Neoplastic Syndromes, Hereditary; Hereditary Cancer Syndrome. Identifiers: Orphanet 140162, MedGen C0027672, MeSH D009386, MONDO:0015356.
Neurofibromatosis, type 1 (NF1). Also called: VON RECKLINGHAUSEN DISEASE; Peripheral type neurofibromatosis; Neurofibromatosis, type I; NEUROFIBROMATOSIS, TYPE I, SOMATIC. Identifiers: Orphanet 636, MedGen C0027831, MONDO:0018975, OMIM 162200. Disease mechanism: loss of function.

Allele frequency attached by ClinVar (database versions not stated): gnomAD exomes below 0.00001 and 0.00001; ExAC 0.00001; gnomAD 0.00001; TOPMed 0.00003.
gnomAD v4.1: 3 of 1,613,998 alleles (0.00019%); highest among the groups gnomAD compares: Admixed American, 0.0033%; no homozygotes.

Submissions (4):

Labcorp Genetics (formerly Invitae), Labcorp
Classification: Uncertain significance for Neurofibromatosis, type 1. Last evaluated: 2025-04-14. Review status: criteria provided, single submitter. Criteria: Invitae Variant Classification Sherloc (09022015). Collection method: clinical testing. Allele origin: germline.
Comment: This sequence change replaces isoleucine, which is neutral and non-polar, with valine, which is neutral and non-polar, at codon 386 of the NF1 protein (p.Ile386Val). This variant is present in population databases (rs779930387, gnomAD 0.006%). This variant has not been reported in the literature in individuals affected with NF1-related conditions. ClinVar contains an entry for this variant (Variation ID: 931989). Invitae Evidence Modeling of protein sequence and biophysical properties (such as structural, functional, and spatial information, amino acid conservation, physicochemical variation, residue mobility, and thermodynamic stability) has been performed for this missense variant. However, the output from this modeling did not meet the statistical confidence thresholds required to predict the impact of this variant on NF1 protein function. In summary, the available evidence is currently insufficient to determine the role of this variant in disease. Therefore, it has been classified as a Variant of Uncertain Significance.

Ambry Genetics
Classification: Uncertain significance for Cardiovascular phenotype; Hereditary cancer-predisposing syndrome. Last evaluated: 2025-04-09. Review status: criteria provided, single submitter. Criteria: Ambry Variant Classification Scheme 2023. Collection method: clinical testing. Allele origin: germline.
Comment: The p.I386V variant (also known as c.1156A>G), located in coding exon 10 of the NF1 gene, results from an A to G substitution at nucleotide position 1156. The isoleucine at codon 386 is replaced by valine, an amino acid with highly similar properties. This amino acid position is highly conserved in available vertebrate species. In addition, the in silico prediction for this alteration is inconclusive. Based on the available evidence, the clinical significance of this variant remains unclear.

Genome-Nilou Lab
Classification: Uncertain significance for Neurofibromatosis, type 1. Last evaluated: 2022-03-15. Review status: criteria provided, single submitter. Criteria: ACMG Guidelines, 2015. Collection method: clinical testing. Allele origin: germline. Affected: no.

Centre for Mendelian Genomics, University Medical Centre Ljubljana
Classification: Uncertain significance for Neurofibromatosis, type 1. Last evaluated: 2019-01-22. Review status: criteria provided, single submitter. Criteria: ACMG Guidelines, 2015. Collection method: clinical testing. Allele origin: unknown. Affected: yes.
Comment: This variant was classified as: Uncertain significance. The available evidence on this variant's pathogenicity is insufficient or conflicting. The following ACMG criteria were applied in classifying this variant: PP3.

NM_001042492.3(NF1):c.1156A>G (p.Ile386Val)

Gene: NF1 (neurofibromin 1; plus strand). Cytogenetic location: 17q11.2.
Variant type: single nucleotide variant.
Coding change: c.1156A>G on transcript NM_001042492.3 (MANE Select); coding-DNA position 1156, A replaced by G.
Protein change: p.Ile386Val; replaces isoleucine 386 with valine.
Molecular consequence: missense variant.
Genome position (GRCh38, 1-based): chr17:31,201,130, A>G. VCF-style: chr17-31201130-A-G. GRCh37 (hg19) VCF-style: chr17-29528148-A-G.
Other names: c.1156A>G, p.Ile386Val (NM_000267.4, NM_001128147.3); short protein forms I386V.
Identifiers: ClinVar variation 931989 (VCV000931989.12), dbSNP rs779930387, ClinGen allele CA8485690.